The following is an entry in ClinVar:

NM_000179.3(MSH6):c.2454T>C (p.Leu818=)

Gene: MSH6 (mutS homolog 6; plus strand). Cytogenetic location: 2p16.3.
Variant type: single nucleotide variant.
Coding change: c.2454T>C on transcript NM_000179.3 (MANE Select); coding-DNA position 2454, T replaced by C.
Protein change: p.Leu818=; no amino-acid change (leucine 818 retained).
Molecular consequence: synonymous variant.
Genome position (GRCh38, 1-based): chr2:47,800,437, T>C. VCF-style: chr2-47800437-T-C. GRCh37 (hg19) VCF-style: chr2-48027576-T-C.
Other names: c.2064T>C, p.Leu688= (NM_001281492.2); c.1548T>C, p.Leu516= (NM_001281493.2, NM_001281494.2).
Identifiers: ClinVar variation 676476 (VCV000676476.12), dbSNP rs1553413809, ClinGen allele CA426121914.

ClinVar aggregate classification (germline): Benign/Likely benign. Review status: criteria provided, multiple submitters, no conflicts (2 of 4 stars). 3 submissions from 3 submitters: Benign (1); Likely benign (2). Last evaluated 2024-12-31.

Conditions:
Lynch syndrome 5 (LYNCH5). Also called: Colorectal cancer, hereditary nonpolyposis, type 5; Hereditary non-polyposis colorectal cancer, type 5. Identifiers: Orphanet 144, MedGen C1833477, MONDO:0013710, OMIM 614350. Disease mechanism: loss of function.
Hereditary nonpolyposis colorectal neoplasms. Identifiers: MedGen C0009405, MeSH D003123.

Submissions (3):

Myriad Genetics, Inc.
Classification: Benign for Lynch syndrome 5. Last evaluated: 2024-12-31. Review status: criteria provided, single submitter. Criteria: Myriad Autosomal Dominant, Autosomal Recessive and X-Linked Classification Criteria (2023). Collection method: clinical testing. Allele origin: unknown.
Comment: This variant is considered benign. This variant is a silent/synonymous amino acid change and it is not expected to impact splicing.

Labcorp Genetics (formerly Invitae), Labcorp
Classification: Likely benign for Hereditary nonpolyposis colorectal neoplasms. Last evaluated: 2021-10-21. Review status: criteria provided, single submitter. Criteria: Invitae Variant Classification Sherloc (09022015). Collection method: clinical testing. Allele origin: germline.

GeneDx
Classification: Likely benign. Last evaluated: 2018-03-19. Review status: criteria provided, single submitter. Criteria: GeneDx Variant Classification (06012015). Collection method: clinical testing. Allele origin: germline. Affected: yes.
Comment: This variant is considered likely benign or benign based on one or more of the following criteria: it is a conservative change, it occurs at a poorly conserved position in the protein, it is predicted to be benign by multiple in silico algorithms, and/or has population frequency not consistent with disease.